The following is an entry in ClinVar:

ClinVar aggregate classification (germline): Benign. Review status: criteria provided, multiple submitters, no conflicts (2 of 4 stars). 2 submissions from 2 submitters: Benign (2). Last evaluated 2018-07-08.

Conditions:
Cutis laxa with severe pulmonary, gastrointestinal and urinary anomalies. Also called: URBAN-RIFKIN-DAVIS SYNDROME; Cutis laxa, autosomal recessive, type IC; LTBP4-Related Cutis Laxa. Identifiers: Orphanet 221145, MedGen C2750804, MONDO:0013170, OMIM 613177. Disease mechanism: loss of function.

Allele frequency attached by ClinVar (database versions not stated): TOPMed 0.02045; 1000 Genomes Project 0.02077; 1000 Genomes Project 30x 0.02358.
gnomAD v4.1: 4,767 of 1,253,430 alleles (0.38%); highest among the groups gnomAD compares: African/African-American, 6.8%; 156 homozygotes.

Submissions (2):

GeneDx
Classification: Benign. Last evaluated: 2018-07-08. Review status: criteria provided, single submitter. Criteria: GeneDx Variant Classification Process June 2021. Collection method: clinical testing. Allele origin: germline. Affected: yes.

Illumina Laboratory Services, Illumina
Classification: Benign for Cutis laxa with severe pulmonary, gastrointestinal and urinary anomalies. Last evaluated: 2018-01-13. Review status: criteria provided, single submitter. Criteria: ICSL Variant Classification Criteria 13 December 2019. Collection method: clinical testing. Allele origin: germline.
Comment: This variant was observed in the ICSL laboratory as part of a predisposition screen in an ostensibly healthy population. It had not been previously curated by ICSL or reported in the Human Gene Mutation Database (HGMD: prior to June 1st, 2018), and was therefore a candidate for classification through an automated scoring system. Utilizing variant allele frequency, disease prevalence and penetrance estimates, and inheritance mode, an automated score was calculated to assess if this variant is too frequent to cause the disease. Based on the score and internal cut-off values, a variant classified as benign is not then subjected to further curation. The score for this variant resulted in a classification of benign for this disease.

NM_001042545.2(LTBP4):c.*86C>T

Gene: LTBP4 (latent transforming growth factor beta binding protein 4; plus strand). Cytogenetic location: 19q13.2.
Variant type: single nucleotide variant.
Coding change: c.*86C>T on transcript NM_001042545.2 (MANE Select); 86 bases downstream of the stop codon, C replaced by T.
Molecular consequence: 3 prime UTR variant.
Genome position (GRCh38, 1-based): chr19:40,629,636, C>T. VCF-style: chr19-40629636-C-T. GRCh37 (hg19) VCF-style: chr19-41135541-C-T.
Other names: c.*86C>T (NM_001042544.1, NM_003573.2).
Identifiers: ClinVar variation 329331 (VCV000329331.6), dbSNP rs10424186, ClinGen allele CA10652003.